The following is an entry in ClinVar:

ClinVar aggregate classification (germline): Uncertain significance (1 of 4 stars; one submission).

Conditions:
Hereditary cancer-predisposing syndrome. Also called: Neoplastic Syndromes, Hereditary; Tumor predisposition; Hereditary Cancer Syndrome; Hereditary neoplastic syndrome. Identifiers: Orphanet 140162, MedGen C0027672, MeSH D009386, MONDO:0015356.

Submission:

Ambry Genetics
Classification: Uncertain significance for Hereditary cancer-predisposing syndrome. Last evaluated: 2022-10-19. Review status: criteria provided, single submitter. Criteria: Ambry Variant Classification Scheme 2023. Collection method: clinical testing. Allele origin: germline.
Comment: The p.P349L variant (also known as c.1046C>T), located in coding exon 12 of the CDC73 gene, results from a C to T substitution at nucleotide position 1046. The proline at codon 349 is replaced by leucine, an amino acid with similar properties. This amino acid position is conserved. In addition, this alteration is predicted to be tolerated by in silico analysis. Since supporting evidence is limited at this time, the clinical significance of this alteration remains unclear.

NM_024529.5(CDC73):c.1046C>T (p.Pro349Leu)

Gene: CDC73 (cell division cycle 73; plus strand). Cytogenetic location: 1q31.2.
Variant type: single nucleotide variant.
Coding change: c.1046C>T on transcript NM_024529.5 (MANE Select); coding-DNA position 1046, C replaced by T.
Protein change: p.Pro349Leu; replaces proline 349 with leucine.
Molecular consequence: missense variant.
Genome position (GRCh38, 1-based): chr1:193,212,080, C>T. VCF-style: chr1-193212080-C-T. GRCh37 (hg19) VCF-style: chr1-193181210-C-T.
Other names: short protein forms P349L.
Identifiers: ClinVar variation 1775499 (VCV001775499.2), dbSNP rs2102038080, ClinGen allele CA344077450.